The following is an entry in ClinVar:

ClinVar aggregate classification (germline): Uncertain significance. Review status: criteria provided, multiple submitters, no conflicts (2 of 4 stars). 4 submissions from 4 submitters: Uncertain significance (4). Last evaluated 2025-03-25.

Allele frequency attached by ClinVar (database versions not stated): gnomAD exomes 0.00010; ExAC 0.00012; 1000 Genomes Project 0.00020; gnomAD 0.00042 and 0.00045; TOPMed 0.00045; 1000 Genomes Project 30x 0.00047; ESP Exome Variant Server 0.00084.
gnomAD v4.1: 136 of 1,614,236 alleles (0.0084%); highest among the groups gnomAD compares: African/African-American, 0.18%; no homozygotes.

Submissions (4):

Ambry Genetics
Classification: Uncertain significance. Last evaluated: 2025-03-25. Review status: criteria provided, single submitter. Criteria: Ambry Variant Classification Scheme 2023. Collection method: clinical testing. Allele origin: germline.

Labcorp Genetics (formerly Invitae), Labcorp
Classification: Uncertain significance. Last evaluated: 2024-11-18. Review status: criteria provided, single submitter. Criteria: Invitae Variant Classification Sherloc (09022015). Collection method: clinical testing. Allele origin: germline.
Comment: This sequence change replaces serine, which is neutral and polar, with tyrosine, which is neutral and polar, at codon 181 of the TSEN34 protein (p.Ser181Tyr). This variant is present in population databases (rs200436138, gnomAD 0.1%), and has an allele count higher than expected for a pathogenic variant. This variant has not been reported in the literature in individuals affected with TSEN34-related conditions. ClinVar contains an entry for this variant (Variation ID: 290843). An algorithm developed to predict the effect of missense changes on protein structure and function (PolyPhen-2) suggests that this variant is likely to be disruptive. In summary, the available evidence is currently insufficient to determine the role of this variant in disease. Therefore, it has been classified as a Variant of Uncertain Significance.

GeneDx
Classification: Uncertain significance. Last evaluated: 2023-06-02. Review status: criteria provided, single submitter. Criteria: GeneDx Variant Classification Process June 2021. Collection method: clinical testing. Allele origin: germline. Affected: yes.
Comment: In silico analysis supports that this missense variant does not alter protein structure/function; Has not been previously published as pathogenic or benign to our knowledge

Eurofins Ntd Llc (ga)
Classification: Uncertain significance. Last evaluated: 2016-09-09. Review status: criteria provided, single submitter. Criteria: EGL Classification Definitions 2015. Collection method: clinical testing. Allele origin: germline. Observed: 1 variant allele, 1 heterozygote.

NM_001077446.4(TSEN34):c.542C>A (p.Ser181Tyr)

Gene: TSEN34 (tRNA splicing endonuclease subunit 34; plus strand). Cytogenetic location: 19q13.42.
Variant type: single nucleotide variant.
Coding change: c.542C>A on transcript NM_001077446.4 (MANE Select); coding-DNA position 542, C replaced by A.
Protein change: p.Ser181Tyr; replaces serine 181 with tyrosine.
Molecular consequence: missense variant.
Genome position (GRCh38, 1-based): chr19:54,192,170, C>A. VCF-style: chr19-54192170-C-A. GRCh37 (hg19) VCF-style: chr19-54696021-C-A.
Other names: c.542C>A (NM_024075.3); c.542C>A, p.Ser181Tyr (NM_001282332.2, NM_001282333.2, NM_001386740.1 and 1 more transcripts); short protein forms S181Y.
Identifiers: ClinVar variation 290843 (VCV000290843.9), dbSNP rs200436138, ClinGen allele CA309374685.